The following is an entry in ClinVar:

NM_016335.6(PRODH):c.849+1G>T

Gene: PRODH (proline dehydrogenase 1; minus strand). Cytogenetic location: 22q11.21.
Variant type: single nucleotide variant.
Coding change: c.849+1G>T on transcript NM_016335.6 (MANE Select); the canonical splice donor site of the intron after coding-DNA position 849, G replaced by T.
Molecular consequence: splice donor variant.
Genome position (GRCh38, 1-based): chr22:18,922,816, C>A on the plus strand (G>T on the coding strand, the complement: PRODH is on the minus strand). VCF-style: chr22-18922816-C-A. GRCh37 (hg19) VCF-style: chr22-18910329-C-A.
Other names: c.525+1G>T (NM_001195226.2, NM_001368250.2).
Identifiers: ClinVar variation 5006437 (VCV005006437.2).

ClinVar aggregate classification (germline): Uncertain significance (1 of 4 stars; one submission).

Conditions:
Schizophrenia 4 (SCZD4). Also called: SCHIZOPHRENIA SUSCEPTIBILITY LOCUS, CHROMOSOME 22q11-RELATED; SCHIZOPHRENIA, SUSCEPTIBILITY TO, 4. Identifiers: MedGen C1833247, MONDO:0010943, OMIM 600850.
Proline dehydrogenase deficiency (HYRPRO1). Also called: PROLINE OXIDASE DEFICIENCY; Hyperprolinemia type 1. Identifiers: Orphanet 419, MedGen C0268529, MONDO:0009400, OMIM 239500.

Submission:

Juno Genomics, Hangzhou Juno Genomics, Inc
Classification: Uncertain significance for Schizophrenia 4; Proline dehydrogenase deficiency. Review status: criteria provided, single submitter. Criteria: ACMG Guidelines, 2015. Collection method: clinical testing. Allele origin: germline.
Comment: Null variant in a gene where loss of function (LOF) is a known mechanism of disease.;Absent from controls (or at extremely low frequency if recessive) in Genome Aggregation Database.